The following is an entry in ClinVar:

NM_015030.2(FRYL):c.4508A>C (p.Asn1503Thr)

Gene: FRYL (FRY like transcription coactivator; minus strand). Cytogenetic location: 4p11.
Variant type: single nucleotide variant.
Coding change: c.4508A>C on transcript NM_015030.2 (MANE Select); coding-DNA position 4508, A replaced by C.
Protein change: p.Asn1503Thr; replaces asparagine 1503 with threonine.
Molecular consequence: missense variant.
Genome position (GRCh38, 1-based): chr4:48,551,506, T>G on the plus strand (A>C on the coding strand, the complement: FRYL is on the minus strand). VCF-style: chr4-48551506-T-G. GRCh37 (hg19) VCF-style: chr4-48553523-T-G.
Other names: short protein forms N1503T.
Identifiers: ClinVar variation 5008527 (VCV005008527.1).

ClinVar aggregate classification (germline): Uncertain significance (1 of 4 stars; one submission).

Submission:

GeneDx
Classification: Uncertain significance. Last evaluated: 2026-03-17. Review status: criteria provided, single submitter. Criteria: GeneDx Variant Classification Process June 2021. Collection method: clinical testing. Allele origin: germline.
Comment: Not observed at significant frequency in large population cohorts (gnomAD); In silico analysis suggests that this missense variant does not alter protein structure/function; Has not been previously published as pathogenic or benign to our knowledge